The following is an entry in ClinVar:

ClinVar aggregate classification (germline): Conflicting classifications of pathogenicity. Review status: criteria provided, conflicting classifications (1 of 4 stars). 5 submissions from 5 submitters: Uncertain significance (2); Likely benign (3). Last evaluated 2026-08-28.

Conditions:
Neuroblastoma, susceptibility to, 3. Also called: ALK-Related Neuroblastic Tumor Susceptibility. Identifiers: Orphanet 635, MedGen C2751681, MONDO:0013083, OMIM 613014.
Hereditary cancer-predisposing syndrome. Also called: Tumor predisposition; Hereditary neoplastic syndrome; Hereditary Cancer Syndrome; Neoplastic Syndromes, Hereditary. Identifiers: Orphanet 140162, MedGen C0027672, MeSH D009386, MONDO:0015356.

Allele frequency attached by ClinVar (database versions not stated): TOPMed 0.00005; ExAC 0.00012.
gnomAD v4.1: 46 of 1,613,974 alleles (0.0029%); highest among the groups gnomAD compares: Admixed American, 0.052%; no homozygotes.

Submissions (5):

GeneDx
Classification: Uncertain significance. Last evaluated: 2026-08-28. Review status: criteria provided, single submitter. Criteria: GeneDx Variant Classification Process June 2021. Collection method: clinical testing. Allele origin: germline.
Comment: In silico analysis suggests that this missense variant does not alter protein structure/function; Has not been previously published as pathogenic or benign to our knowledge; This variant is associated with the following publications: (PMID: 27397505, 25714698, 35865984)

Labcorp Genetics (formerly Invitae), Labcorp
Classification: Likely benign for Neuroblastoma, susceptibility to, 3. Last evaluated: 2025-12-09. Review status: criteria provided, single submitter. Criteria: Invitae Variant Classification Sherloc (09022015). Collection method: clinical testing. Allele origin: germline.

Ambry Genetics
Classification: Likely benign for Hereditary cancer-predisposing syndrome. Last evaluated: 2022-01-04. Review status: criteria provided, single submitter. Criteria: Ambry Variant Classification Scheme 2023. Collection method: clinical testing. Allele origin: germline.

Sema4
Classification: Likely benign for Hereditary cancer-predisposing syndrome. Last evaluated: 2021-11-25. Review status: criteria provided, single submitter. Criteria: Sema4 Curation Guidelines. Collection method: curation. Allele origin: germline.

Fulgent Genetics
Classification: Uncertain significance for Neuroblastoma, susceptibility to, 3. Last evaluated: 2018-10-31. Review status: criteria provided, single submitter. Criteria: ACMG Guidelines, 2015. Collection method: clinical testing. Allele origin: unknown.

NM_004304.5(ALK):c.1183C>T (p.Arg395Cys)

Gene: ALK (ALK receptor tyrosine kinase; minus strand). Cytogenetic location: 2p23.2.
Variant type: single nucleotide variant.
Coding change: c.1183C>T on transcript NM_004304.5 (MANE Select); coding-DNA position 1183, C replaced by T.
Protein change: p.Arg395Cys; replaces arginine 395 with cysteine.
Molecular consequence: missense variant.
Genome position (GRCh38, 1-based): chr2:29,383,831, G>A on the plus strand (C>T on the coding strand, the complement: ALK is on the minus strand). VCF-style: chr2-29383831-G-A. GRCh37 (hg19) VCF-style: chr2-29606697-G-A.
Other names: short protein forms R395C.
Identifiers: ClinVar variation 470739 (VCV000470739.19), dbSNP rs779282861, ClinGen allele CA1594727.